The following is an entry in ClinVar:

ClinVar aggregate classification (germline): Uncertain significance (1 of 4 stars; one submission).

Conditions:
Familial Mediterranean fever (FMF). Also called: POLYSEROSITIS, FAMILIAL PAROXYSMAL; POLYSEROSITIS, RECURRENT; Periodic peritonitis; Benign paroxysmal peritonitis. Identifiers: Orphanet 342, MedGen C0031069, MONDO:0018088, OMIM 249100. Disease mechanism: gain of function.

Allele frequency attached by ClinVar (database versions not stated): gnomAD 0.00001; ESP Exome Variant Server 0.00008; gnomAD exomes below 0.00001; TOPMed below 0.00001; ExAC 0.00001.
gnomAD v4.1: 2 of 1,613,908 alleles (0.00012%); highest among the groups gnomAD compares: African/African-American, 0.0027%; no homozygotes.

Submission:

Labcorp Genetics (formerly Invitae), Labcorp
Classification: Uncertain significance for Familial Mediterranean fever. Last evaluated: 2019-05-14. Review status: criteria provided, single submitter. Criteria: Invitae Variant Classification Sherloc (09022015). Collection method: clinical testing. Allele origin: germline.
Comment: In summary, the available evidence is currently insufficient to determine the role of this variant in disease. Therefore, it has been classified as a Variant of Uncertain Significance. Algorithms developed to predict the effect of missense changes on protein structure and function are either unavailable or do not agree on the potential impact of this missense change (SIFT: "Deleterious"; PolyPhen-2: "Possibly Damaging"; Align-GVGD: "Class C0"). This variant has not been reported in the literature in individuals with MEFV-related conditions. This variant is present in population databases (rs368322244, ExAC 0.01%). This sequence change replaces aspartic acid with tyrosine at codon 308 of the MEFV protein (p.Asp308Tyr). The aspartic acid residue is moderately conserved and there is a large physicochemical difference between aspartic acid and tyrosine.

NM_000243.3(MEFV):c.922G>T (p.Asp308Tyr)

Gene: MEFV (MEFV innate immunity regulator, pyrin; minus strand). Cytogenetic location: 16p13.3.
Variant type: single nucleotide variant.
Coding change: c.922G>T on transcript NM_000243.3 (MANE Select); coding-DNA position 922, G replaced by T.
Protein change: p.Asp308Tyr; replaces aspartic acid 308 with tyrosine.
Molecular consequence: missense variant.
Genome position (GRCh38, 1-based): chr16:3,249,769, C>A on the plus strand (G>T on the coding strand, the complement: MEFV is on the minus strand). VCF-style: chr16-3249769-C-A. GRCh37 (hg19) VCF-style: chr16-3299769-C-A.
Other names: c.289G>T, p.Asp97Tyr (NM_001198536.2); short protein forms D308Y, D97Y.
Identifiers: ClinVar variation 951731 (VCV000951731.9), dbSNP rs368322244, ClinGen allele CA7860275.